The following is an entry in ClinVar:

ClinVar aggregate classification (germline): Uncertain significance. Review status: criteria provided, multiple submitters, no conflicts (2 of 4 stars). 2 submissions from 2 submitters: Uncertain significance (2). Last evaluated 2025-08-05.

Conditions:
Pitt-Hopkins-like syndrome 2 (PTHSL2). Identifiers: Orphanet 221150, Orphanet 600663, MedGen C3280479, MONDO:0013690, OMIM 614325.

Allele frequency attached by ClinVar (database versions not stated): ExAC 0.00002; gnomAD 0.00002; gnomAD exomes 0.00002; TOPMed 0.00003; ESP Exome Variant Server 0.00008.
gnomAD v4.1: 28 of 1,610,660 alleles (0.0017%); highest among the groups gnomAD compares: African/African-American, 0.011%; no homozygotes.

Submissions (2):

GeneDx
Classification: Uncertain significance. Last evaluated: 2025-08-05. Review status: criteria provided, single submitter. Criteria: GeneDx Variant Classification Process June 2021. Collection method: clinical testing. Allele origin: germline. Affected: yes.
Comment: In silico analysis supports that this missense variant has a deleterious effect on protein structure/function; Missense variant in a gene in which most reported pathogenic variants are truncating/loss of function; Has not been previously published as pathogenic or benign to our knowledge

Labcorp Genetics (formerly Invitae), Labcorp
Classification: Uncertain significance for Pitt-Hopkins-like syndrome 2. Last evaluated: 2025-04-26. Review status: criteria provided, single submitter. Criteria: Invitae Variant Classification Sherloc (09022015). Collection method: clinical testing. Allele origin: germline.
Comment: This sequence change replaces asparagine, which is neutral and polar, with serine, which is neutral and polar, at codon 1134 of the NRXN1 protein (p.Asn1134Ser). This variant is present in population databases (rs201963074, gnomAD 0.02%). This variant has not been reported in the literature in individuals affected with NRXN1-related conditions. ClinVar contains an entry for this variant (Variation ID: 206260). An algorithm developed to predict the effect of missense changes on protein structure and function (PolyPhen-2) suggests that this variant is likely to be disruptive. In summary, the available evidence is currently insufficient to determine the role of this variant in disease. Therefore, it has been classified as a Variant of Uncertain Significance.

NM_001330078.2(NRXN1):c.3281A>G (p.Asn1094Ser)

Gene: NRXN1 (neurexin 1; minus strand). Cytogenetic location: 2p16.3.
Variant type: single nucleotide variant.
Coding change: c.3281A>G on transcript NM_001330078.2 (MANE Select); coding-DNA position 3281, A replaced by G.
Protein change: p.Asn1094Ser; replaces asparagine 1094 with serine.
Molecular consequence: missense variant.
Genome position (GRCh38, 1-based): chr2:50,465,525, T>C on the plus strand (A>G on the coding strand, the complement: NRXN1 is on the minus strand). VCF-style: chr2-50465525-T-C. GRCh37 (hg19) VCF-style: chr2-50692663-T-C.
Other names: p.N1134S:AAT>AGT; c.3401A>G, p.Asn1134Ser (NM_001135659.3); c.3257A>G, p.Asn1086Ser (NM_001330077.2, NM_001330082.2); c.3215A>G, p.Asn1072Ser (NM_001330083.2, NM_001330084.2); c.3254A>G, p.Asn1085Ser (NM_001330085.2); c.3281A>G, p.Asn1094Ser (NM_001330086.2, NM_004801.6); c.3170A>G, p.Asn1057Ser (NM_001330087.2, NM_001330096.2); c.3200A>G, p.Asn1067Ser (NM_001330088.2); and 3 more; short protein forms N1134S, N1067S, N1090S, N1072S, N1094S, N1077S, N1086S, N1093S.
Identifiers: ClinVar variation 206260 (VCV000206260.12), dbSNP rs201963074, ClinGen allele CA316167.